The following is an entry in ClinVar:

NC_000015.9:g.(?_48547988)_(48548127_?)del

Gene: SLC12A1 (solute carrier family 12 member 1; plus strand). Cytogenetic location: 15q21.1.
Variant type: Deletion.
Identifiers: ClinVar variation 1458179 (VCV001458179.6).

ClinVar aggregate classification (germline): Pathogenic (1 of 4 stars; one submission).

Submission:

Labcorp Genetics (formerly Invitae), Labcorp
Classification: Pathogenic. Last evaluated: 2023-11-05. Review status: criteria provided, single submitter. Criteria: Invitae Variant Classification Sherloc (09022015). Collection method: clinical testing. Allele origin: germline.
Comment: This variant is a gross deletion of the genomic region encompassing exon(s) 16 of the SLC12A1 gene. This deletion is out-of-frame, and is expected to create a premature termination codon and result in an absent or disrupted protein product. Loss-of-function variants in SLC12A1 are known to be pathogenic (PMID: 8640224, 9585600, 19096086). This variant has not been reported in the literature in individuals affected with SLC12A1-related conditions. For these reasons, this variant has been classified as Pathogenic.

Literature cited by the submitters: PubMed 8640224; PubMed 9585600; PubMed 19096086.